The following is an entry in ClinVar:

NM_000124.4(ERCC6):c.178G>A (p.Gly60Arg)

Gene: ERCC6 (ERCC excision repair 6, chromatin remodeling factor; minus strand). Cytogenetic location: 10q11.23.
Variant type: single nucleotide variant.
Coding change: c.178G>A on transcript NM_000124.4 (MANE Select); coding-DNA position 178, G replaced by A.
Protein change: p.Gly60Arg; replaces glycine 60 with arginine.
Molecular consequence: missense variant.
Genome position (GRCh38, 1-based): chr10:49,532,787, C>T on the plus strand (G>A on the coding strand, the complement: ERCC6 is on the minus strand). VCF-style: chr10-49532787-C-T. GRCh37 (hg19) VCF-style: chr10-50740833-C-T.
Other names: c.178G>A, p.Gly60Arg (NM_001277058.2, NM_001277059.2, NM_001346440.2); short protein forms G60R.
Identifiers: ClinVar variation 2229530 (VCV002229530.2), dbSNP rs2496174329, ClinGen allele CA376713532.
Genomic context (GRCh38, chr10:49,532,787, plus strand): 5'-TCTGATGTCGGTCGATGTGCAGCAGGGCTGGCCCTCTCCTCGGAGCTGCTGATGCGCACC[C>T]CACAGCAGAGGTGGACAGCCCGTCACCCACAGAACGAAAGGAGAGGTACTCCTCCACCTC-3'
Protein context (NP_000115.1, residues 50-70): VGDGLSTSAV[Gly60Arg]CASAAPRRGP

ClinVar aggregate classification (germline): Uncertain significance (1 of 4 stars; one submission).

Conditions:
Inborn genetic diseases. Identifiers: MedGen C0950123, MeSH D030342.

Submission:

Ambry Genetics
Classification: Uncertain significance for Inborn genetic diseases. Last evaluated: 2021-03-15. Review status: criteria provided, single submitter. Criteria: Ambry Variant Classification Scheme 2023. Collection method: clinical testing. Allele origin: germline.
Comment: The c.178G>A (p.G60R) alteration is located in exon 2 (coding exon 1) of the ERCC6 gene. This alteration results from a G to A substitution at nucleotide position 178, causing the glycine (G) at amino acid position 60 to be replaced by an arginine (R). The p.G60R alteration is predicted to be tolerated by in silico analysis. Based on insufficient or conflicting evidence, the clinical significance of this alteration remains unclear.